The following is an entry in ClinVar:

ClinVar aggregate classification (germline): Uncertain significance (0 of 4 stars; one submission).

Allele frequency attached by ClinVar (database versions not stated): gnomAD exomes below 0.00001.

Submission:

Leiden Open Variation Database
Classification: Uncertain significance. Last evaluated: 2020-02-28. Review status: no assertion criteria provided. Collection method: curation. Allele origin: germline. Affected: yes.
Comment: Curator: Arleen D. Auerbach. Submitter to LOVD: Daniela Pilonetto.

NM_000135.4(FANCA):c.4082A>C (p.Tyr1361Ser)

Genes: FANCA (FA complementation group A; minus strand), ZNF276 (zinc finger protein 276; plus strand). Cytogenetic location: 16q24.3.
Variant type: single nucleotide variant.
Coding change: c.4082A>C on transcript NM_000135.4 (MANE Select); coding-DNA position 4082, A replaced by C.
Protein change: p.Tyr1361Ser; replaces tyrosine 1361 with serine.
Molecular consequence: missense variant. On other transcripts: 3 prime UTR variant (2), non-coding transcript variant (4).
Genome position (GRCh38, 1-based): chr16:89,739,218, T>G on the plus strand (A>C on the coding strand, the complement: FANCA is on the minus strand). VCF-style: chr16-89739218-T-G. GRCh37 (hg19) VCF-style: chr16-89805626-T-G.
Other names: c.4082A>C, p.Tyr1361Ser (NM_001286167.3); c.*972T>G (NM_001113525.2, NM_152287.4); short protein forms Y1361S.
Identifiers: ClinVar variation 974070 (VCV000974070.1), dbSNP rs1218453412, ClinGen allele CA397484481.